The following is an entry in ClinVar:

ClinVar aggregate classification (germline): Uncertain significance (1 of 4 stars; one submission).

Conditions:
Obesity, hyperphagia, and developmental delay (OBHD). Identifiers: Orphanet 99704, MedGen C3151303, MONDO:0013483, OMIM 613886.

Submission:

Institute of Human Genetics, University of Leipzig Medical Center
Classification: Uncertain significance for Obesity, hyperphagia, and developmental delay. Last evaluated: 2024-02-13. Review status: criteria provided, single submitter. Criteria: ACMG Guidelines, 2015. Collection method: clinical testing. Allele origin: de novo. Inheritance: Autosomal dominant inheritance. Affected: yes. Observed: 1 variant allele.
Comment: Criteria applied: PS2_Mod, PM2_Sup, PP2, PP3

NM_006180.6(NTRK2):c.1922T>G (p.Leu641Arg)

Gene: NTRK2 (neurotrophic receptor tyrosine kinase 2; plus strand). Cytogenetic location: 9q21.33.
Variant type: single nucleotide variant.
Coding change: c.1922T>G on transcript NM_006180.6 (MANE Select); coding-DNA position 1922, T replaced by G.
Protein change: p.Leu641Arg; replaces leucine 641 with arginine.
Molecular consequence: missense variant.
Genome position (GRCh38, 1-based): chr9:84,948,619, T>G. VCF-style: chr9-84948619-T-G. GRCh37 (hg19) VCF-style: chr9-87563534-T-G.
Other names: c.1874T>G, p.Leu625Arg (NM_001018064.3, NM_001369532.1, NM_001369533.1); c.1838T>G, p.Leu613Arg (NM_001369534.1); c.1406T>G, p.Leu469Arg (NM_001369535.1); c.1454T>G, p.Leu485Arg (NM_001369536.1); c.1922T>G, p.Leu641Arg (NM_001381928.1); short protein forms L469R, L485R, L613R, L625R, L641R.
Identifiers: ClinVar variation 3068733 (VCV003068733.1), dbSNP rs2132886873, ClinGen allele CA374009833.